The following is an entry in ClinVar:

NM_000157.4(GBA1):c.1051T>A (p.Trp351Arg)

Genes: GBA1 (glucosylceramidase beta 1; minus strand), LOC106627981 (GBA recombination region; plus strand). Cytogenetic location: 1q22.
Variant type: single nucleotide variant.
Coding change: c.1051T>A on transcript NM_000157.4 (MANE Select); coding-DNA position 1051, T replaced by A.
Protein change: p.Trp351Arg; replaces tryptophan 351 with arginine.
Molecular consequence: missense variant.
Genome position (GRCh38, 1-based): chr1:155,236,418, A>T on the plus strand (T>A on the coding strand, the complement: GBA1 is on the minus strand). VCF-style: chr1-155236418-A-T. GRCh37 (hg19) VCF-style: chr1-155206209-A-T.
Other names: c.1051T>A, p.Trp351Arg (NM_001005741.3, NM_001005742.3); c.790T>A, p.Trp264Arg (NM_001171811.2); c.904T>A, p.Trp302Arg (NM_001171812.2); short protein forms W264R, W302R, W351R.
Identifiers: ClinVar variation 4817661 (VCV004817661.1).

ClinVar aggregate classification (germline): Pathogenic (1 of 4 stars; one submission).

Conditions:
Gaucher disease. Also called: Acute cerebral Gaucher disease; Cerebroside lipidosis syndrome; Gaucher splenomegaly; Sphingolipidosis 1; Glucocerebrosidosis; Glucosylceramidase deficiency. Identifiers: Orphanet 355, MedGen C0017205, MONDO:0018150.

Submission:

Natera, Inc.
Classification: Pathogenic for Gaucher disease. Last evaluated: 2026-01-22. Review status: criteria provided, single submitter. Criteria: Natera Variant Classification Schema (03/2026). Collection method: clinical testing. Allele origin: germline.
Comment: The c.1051T>A variant in GBA1 is a missense variant predicted to cause substitution of tryptophan to arginine at amino acid 351. This variant is rare in the general population with a frequency below the threshold expected for the associated phenotype(s). This variant has been observed in one or more individuals affected with the associated recessive disease, as either homozygous or compound heterozygous with a second variant (PMID: 34134921). Another variant at this same site results in an alteration predicted to cause a similar molecular effect has been observed in individual(s) with the associated phenotype. A different variant at the same position has been determined to be Pathogenic or Likely Pathogenic. Computational prediction algorithms indicate this variant is likely to affect gene or protein function. Given the available evidence, this variant is classified as Pathogenic.

Literature cited by the submitters: PubMed 34134921.